The following is an entry in ClinVar:

ClinVar aggregate classification (germline): Uncertain significance (1 of 4 stars; one submission).

Conditions:
Syndromic multisystem autoimmune disease due to ITCH deficiency. Also called: AUTOIMMUNE DISEASE, MULTISYSTEM, WITH FACIAL DYSMORPHISM. Identifiers: Orphanet 228426, MedGen C3150649, MONDO:0013245, OMIM 613385.

Submission:

Labcorp Genetics (formerly Invitae), Labcorp
Classification: Uncertain significance for Syndromic multisystem autoimmune disease due to ITCH deficiency. Last evaluated: 2022-02-25. Review status: criteria provided, single submitter. Criteria: Invitae Variant Classification Sherloc (09022015). Collection method: clinical testing. Allele origin: germline.
Comment: In summary, the available evidence is currently insufficient to determine the role of this variant in disease. Therefore, it has been classified as a Variant of Uncertain Significance. Algorithms developed to predict the effect of missense changes on protein structure and function are either unavailable or do not agree on the potential impact of this missense change (SIFT: "Not Available"; PolyPhen-2: "Probably Damaging"; Align-GVGD: "Not Available"). This variant has not been reported in the literature in individuals affected with ITCH-related conditions. This variant is not present in population databases (gnomAD no frequency). This sequence change replaces asparagine, which is neutral and polar, with serine, which is neutral and polar, at codon 721 of the ITCH protein (p.Asn721Ser).

NM_031483.7(ITCH):c.2162A>G (p.Asn721Ser)

Gene: ITCH (itchy E3 ubiquitin protein ligase; plus strand). Cytogenetic location: 20q11.22.
Variant type: single nucleotide variant.
Coding change: c.2162A>G on transcript NM_031483.7 (MANE Select); coding-DNA position 2162, A replaced by G.
Protein change: p.Asn721Ser; replaces asparagine 721 with serine.
Molecular consequence: missense variant.
Genome position (GRCh38, 1-based): chr20:34,489,334, A>G. VCF-style: chr20-34489334-A-G. GRCh37 (hg19) VCF-style: chr20-33077139-A-G.
Other names: c.2285A>G, p.Asn762Ser (NM_001257137.3, NM_001324197.2); c.1832A>G, p.Asn611Ser (NM_001257138.3); c.2162A>G, p.Asn721Ser (NM_001324198.2); short protein forms N721S, N611S, N762S.
Identifiers: ClinVar variation 2103297 (VCV002103297.4), dbSNP rs2515920407, ClinGen allele CA408672252.